The following is an entry in ClinVar:

NC_000016.10:g.(?_23603459)_(23608012_?)del

Gene: PALB2 (partner and localizer of BRCA2; minus strand). Cytogenetic location: 16p12.2.
Variant type: Deletion.
Identifiers: ClinVar variation 437843 (VCV000437843.2).

ClinVar aggregate classification (germline): Pathogenic (1 of 4 stars; one submission).

Conditions:
Familial cancer of breast. Also called: hereditary breast carcinoma; Hereditary breast cancer; BREAST CANCER, FAMILIAL. Identifiers: Orphanet 227535, MedGen C0346153, MONDO:0016419, OMIM 114480. Disease mechanism: loss of function.

Submission:

Labcorp Genetics (formerly Invitae), Labcorp
Classification: Pathogenic for Familial cancer of breast. Last evaluated: 2016-10-03. Review status: criteria provided, single submitter. Criteria: Invitae Variant Classification Sherloc (09022015). Collection method: clinical testing. Allele origin: germline.
Comment: This variant is a gross deletion of the genomic region encompassing exons 12-13 of the PALB2 gene. The 5' boundary is likely confined to intron 11. The 3' end of this event is unknown as it extends through the termination codon beyond the assayed region for this gene and may encompass additional genes. While this deletion is not anticipated to result in nonsense mediated decay, it is expected to create a truncated PALB2 protein. Loss-of-function variants including gross deletions in PALB2 are known to be pathogenic. Deletion of exons 12-13 has been reported in the literature in an individual affected with breast and pancreatic cancer (PMID: 19635604). This deletion eliminates a portion of the WD40 functional domain, which is encoded by exons 7 to 13 of the PALB2 mRNA. The entire WD40 domain is known to be required for normal PALB2 protein function (PMID: 19423707, 16793542, 17200671) and loss-of-function mutations that disrupt this domain have been classified as pathogenic (Invitae). For these reasons, this sequence change has been classified as Pathogenic.